The following is an entry in ClinVar:

ClinVar aggregate classification (germline): Benign (0 of 4 stars; one submission).

Conditions:
NOS1-related disorder. Also called: NOS1-related condition.

Allele frequency attached by ClinVar (database versions not stated): 1000 Genomes Project 0.74880; 1000 Genomes Project 30x 0.75265; ESP Exome Variant Server 0.77047; TOPMed 0.73990; gnomAD 0.74779.
gnomAD v4.1: 1,147,247 of 1,612,974 alleles (71%); highest among the groups gnomAD compares: African/African-American, 89%; 412,107 homozygotes.

Submission:

PreventionGenetics, part of Exact Sciences
Classification: Benign for NOS1-related condition. Last evaluated: 2019-10-18. Review status: no assertion criteria provided. Collection method: clinical testing. Allele origin: germline.
Comment: This variant is classified as benign based on ACMG/AMP sequence variant interpretation guidelines (Richards et al. 2015 PMID: 25741868, with internal and published modifications).

NM_000620.5(NOS1):c.2202T>C (p.Ile734=)

Gene: NOS1 (nitric oxide synthase 1; minus strand). Cytogenetic location: 12q24.22.
Variant type: single nucleotide variant.
Coding change: c.2202T>C on transcript NM_000620.5 (MANE Select); coding-DNA position 2202, T replaced by C.
Protein change: p.Ile734=; no amino-acid change (isoleucine 734 retained).
Molecular consequence: synonymous variant.
Genome position (GRCh38, 1-based): chr12:117,263,909, A>G on the plus strand (T>C on the coding strand, the complement: NOS1 is on the minus strand). VCF-style: chr12-117263909-A-G. GRCh37 (hg19) VCF-style: chr12-117701714-A-G.
Other names: c.1194T>C, p.Ile398= (NM_001204213.2, NM_001204214.2); c.2202T>C, p.Ile734= (NM_001204218.2).
Identifiers: ClinVar variation 3060480 (VCV003060480.2), dbSNP rs2293054, ClinGen allele CA6814938.